The following is an entry in ClinVar:

ClinVar aggregate classification (germline): Uncertain significance. Review status: criteria provided, multiple submitters, no conflicts (2 of 4 stars). 2 submissions from 2 submitters: Uncertain significance (2). Last evaluated 2024-10-09.

Conditions:
Inborn genetic diseases. Identifiers: MedGen C0950123, MeSH D030342.

Allele frequency attached by ClinVar (database versions not stated): TOPMed below 0.00001; gnomAD 0.00001; gnomAD exomes 0.00002; ExAC 0.00003.
gnomAD v4.1: 27 of 1,613,512 alleles (0.0017%); highest among the groups gnomAD compares: East Asian, 0.056%; no homozygotes.

Submissions (2):

Ambry Genetics
Classification: Uncertain significance for Inborn genetic diseases. Last evaluated: 2024-10-09. Review status: criteria provided, single submitter. Criteria: Ambry Variant Classification Scheme 2023. Collection method: clinical testing. Allele origin: germline.

Labcorp Genetics (formerly Invitae), Labcorp
Classification: Uncertain significance. Last evaluated: 2023-02-23. Review status: criteria provided, single submitter. Criteria: Invitae Variant Classification Sherloc (09022015). Collection method: clinical testing. Allele origin: germline.
Comment: In summary, the available evidence is currently insufficient to determine the role of this variant in disease. Therefore, it has been classified as a Variant of Uncertain Significance. An algorithm developed to predict the effect of missense changes on protein structure and function (PolyPhen-2) suggests that this variant is likely to be disruptive. This variant has not been reported in the literature in individuals affected with BPTF-related conditions. This variant is present in population databases (rs765631305, gnomAD 0.04%). This sequence change replaces valine, which is neutral and non-polar, with isoleucine, which is neutral and non-polar, at codon 2118 of the BPTF protein (p.Val2118Ile).

NM_182641.4(BPTF):c.5974G>A (p.Val1992Ile)

Gene: BPTF (bromodomain PHD finger transcription factor; plus strand). Cytogenetic location: 17q24.2.
Variant type: single nucleotide variant.
Coding change: c.5974G>A on transcript NM_182641.4 (MANE Select); coding-DNA position 5974, G replaced by A.
Protein change: p.Val1992Ile; replaces valine 1992 with isoleucine.
Molecular consequence: missense variant.
Genome position (GRCh38, 1-based): chr17:67,928,577, G>A. VCF-style: chr17-67928577-G-A. GRCh37 (hg19) VCF-style: chr17-65924693-G-A.
Other names: c.5974G>A (NM_182641.3); c.6352G>A, p.Val2118Ile (NM_004459.7); short protein forms V1992I, V2118I.
Identifiers: ClinVar variation 2741088 (VCV002741088.4), dbSNP rs765631305, ClinGen allele CA8726065.
Genomic context (GRCh38, chr17:67,928,577, plus strand): 5'-TCTCCAGCTACAGTAACATTCCAACAAAACAAGAACTTTCATCAAACCTTTGCTACATGG[G>A]TTAAGCAAGGCCAGTCAAATTCAGGTATGGAACTATCATTAAGTAAAAGATTACTTTGGT-3'
Protein context (NP_872579.2, residues 1982-2002): KNFHQTFATW[Val1992Ile]KQGQSNSGVV